The following is an entry in ClinVar:

ClinVar aggregate classification (germline): Uncertain significance. Review status: criteria provided, multiple submitters, no conflicts (2 of 4 stars). 2 submissions from 2 submitters: Uncertain significance (2). Last evaluated 2025-07-12.

Conditions:
Inborn genetic diseases. Identifiers: MedGen C0950123, MeSH D030342.

gnomAD v4.1: 1 of 1,614,044 alleles (0.000062%); highest among the groups gnomAD compares: Admixed American, 0.0017%; no homozygotes.

Submissions (2):

Ambry Genetics
Classification: Uncertain significance for Inborn genetic diseases. Last evaluated: 2025-07-12. Review status: criteria provided, single submitter. Criteria: Ambry Variant Classification Scheme 2023. Collection method: clinical testing. Allele origin: germline.

GeneDx
Classification: Uncertain significance. Last evaluated: 2024-08-12. Review status: criteria provided, single submitter. Criteria: GeneDx Variant Classification Process June 2021. Collection method: clinical testing. Allele origin: germline. Affected: yes.
Comment: Not observed at significant frequency in large population cohorts (gnomAD); In silico analysis indicates that this missense variant does not alter protein structure/function; Has not been previously published as pathogenic or benign to our knowledge

NM_020987.5(ANK3):c.7288A>C (p.Ile2430Leu)

Gene: ANK3 (ankyrin 3; minus strand). Cytogenetic location: 10q21.2.
Variant type: single nucleotide variant.
Coding change: c.7288A>C on transcript NM_020987.5 (MANE Select); coding-DNA position 7288, A replaced by C.
Protein change: p.Ile2430Leu; replaces isoleucine 2430 with leucine.
Molecular consequence: missense variant. On other transcripts: intron variant (4).
Genome position (GRCh38, 1-based): chr10:60,073,593, T>G on the plus strand (A>C on the coding strand, the complement: ANK3 is on the minus strand). VCF-style: chr10-60073593-T-G. GRCh37 (hg19) VCF-style: chr10-61833351-T-G.
Other names: c.4388-5584A>C (NM_001204403.2); c.4409-5584A>C (NM_001204404.2); c.4406-5584A>C (NM_001320874.2); c.1808-5584A>C (NM_001149.4); short protein forms I2430L.
Identifiers: ClinVar variation 3731015 (VCV003731015.2).